The following is an entry in ClinVar:

NM_004612.4(TGFBR1):c.52GCG[5] (p.Ala23_Ala26del)

Gene: TGFBR1 (transforming growth factor beta receptor 1; plus strand). Cytogenetic location: 9q22.33.
Variant type: Microsatellite.
Coding change: c.52GCG[5] on transcript NM_004612.4 (MANE Select); five copies in a row of the 3-base unit GCG starting at c.52; the reference has nine copies in a row; four copies, 12 bases deleted; also written c.67_78del.
Protein change: p.Ala23_Ala26del.
Molecular consequence: inframe deletion.
Genome position (GRCh38, 1-based): chr9:99,105,272-99,105,283, GCGGCGGCGGCG deleted; deleting any 12 consecutive bases within chr9:99,105,256-99,105,283 gives the same sequence; the position shown is the placement nearest the transcript's 3' end. VCF-style (leftmost placement, unchanged base first): chr9-99105255-TGGCGGCGGCGGC-T. GRCh37 (hg19) VCF-style: chr9-101867537-TGGCGGCGGCGGC-T.
Other names: c.67_78del (NM_004612.2); c.52GCG[5], p.Ala23_Ala26del (NM_001130916.3, NM_001306210.2); c.67_78del12 (NM_004612.3).
Identifiers: ClinVar variation 516727 (VCV000516727.17), dbSNP rs11466445, ClinGen allele CA196864779.

ClinVar aggregate classification (germline): Conflicting classifications of pathogenicity. Review status: criteria provided, conflicting classifications (1 of 4 stars). 4 submissions from 4 submitters: Uncertain significance (1); Likely benign (3). Last evaluated 2026-02-03.

Conditions:
Familial thoracic aortic aneurysm and aortic dissection (TAAD). Also called: Thoracic aortic aneurysms and dissections. Identifiers: Orphanet 91387, MedGen C4707243, MONDO:0019625.
TGFBR1-related disorder. Also called: TGFBR1-related condition.

Submissions (4):

Labcorp Genetics (formerly Invitae), Labcorp
Classification: Uncertain significance for Familial thoracic aortic aneurysm and aortic dissection. Last evaluated: 2026-02-03. Review status: criteria provided, single submitter. Criteria: Invitae Variant Classification Sherloc (09022015). Collection method: clinical testing. Allele origin: germline.
Comment: This variant, c.67_78del, results in the deletion of 4 amino acid(s) of the TGFBR1 protein (p.Ala23_Ala26del), but otherwise preserves the integrity of the reading frame. The frequency data for this variant in the population databases is considered unreliable, as metrics indicate poor data quality at this position in the gnomAD database. This variant has not been reported in the literature in individuals affected with TGFBR1-related conditions. ClinVar contains an entry for this variant (Variation ID: 516727). Experimental studies and prediction algorithms are not available or were not evaluated, and the functional significance of this variant is currently unknown. In summary, the available evidence is currently insufficient to determine the role of this variant in disease. Therefore, it has been classified as a Variant of Uncertain Significance.

PreventionGenetics, part of Exact Sciences
Classification: Likely benign for TGFBR1-related condition. Last evaluated: 2024-12-27. Review status: criteria provided, single submitter. Criteria: ACMG Guidelines, 2015. Collection method: clinical testing. Allele origin: germline.
Comment: This variant is classified as likely benign based on ACMG/AMP sequence variant interpretation guidelines (Richards et al. 2015 PMID: 25741868, with internal and published modifications).

GeneDx
Classification: Likely benign. Last evaluated: 2022-08-17. Review status: criteria provided, single submitter. Criteria: GeneDx Variant Classification Process June 2021. Collection method: clinical testing. Allele origin: germline. Affected: yes.
Comment: See Variant Classification Assertion Criteria.

Ambry Genetics
Classification: Likely benign for Familial thoracic aortic aneurysm and aortic dissection. Last evaluated: 2021-11-15. Review status: criteria provided, single submitter. Criteria: Ambry Variant Classification Scheme 2023. Collection method: clinical testing. Allele origin: germline.